The following is an entry in ClinVar:

ClinVar aggregate classification (germline): Likely benign. Review status: criteria provided, multiple submitters, no conflicts (2 of 4 stars). 2 submissions from 2 submitters: Likely benign (2). Last evaluated 2024-01-15.

Conditions:
Hereditary spastic paraplegia 7 (SPG7). Also called: SPASTIC PARAPLEGIA 7, AUTOSOMAL RECESSIVE, WITH OR WITHOUT CEREBELLAR ATAXIA; Autosomal recessive spastic paraplegia type 7; Spastic paraplegia 7; Hereditary spastic paraplegia Paraplegin type; SPG7-related neurologic disorder. Identifiers: Orphanet 99013, MedGen C1846564, MONDO:0011803, OMIM 607259.

Allele frequency attached by ClinVar (database versions not stated): gnomAD 0.00001; gnomAD exomes 0.00001; TOPMed 0.00001.
gnomAD v4.1: 19 of 1,513,872 alleles (0.0013%); highest among the groups gnomAD compares: Middle Eastern, 0.023%; no homozygotes.

Submissions (2):

Labcorp Genetics (formerly Invitae), Labcorp
Classification: Likely benign for Hereditary spastic paraplegia 7. Last evaluated: 2024-01-15. Review status: criteria provided, single submitter. Criteria: Invitae Variant Classification Sherloc (09022015). Collection method: clinical testing. Allele origin: germline.

CeGaT Center for Human Genetics Tuebingen
Classification: Likely benign. Last evaluated: 2022-08-01. Review status: criteria provided, single submitter. Criteria: CeGaT Center For Human Genetics Tuebingen Variant Classification Criteria Version 2. Collection method: clinical testing. Allele origin: germline. Affected: yes. Observed: 1 variant allele.
Comment: SPG7: BP4

NM_003119.4(SPG7):c.99C>T (p.Phe33=)

Genes: SPG7 (SPG7 matrix AAA peptidase subunit, paraplegin; plus strand), LOC130059818 (ATAC-STARR-seq lymphoblastoid silent region 7911; plus strand). Cytogenetic location: 16q24.3.
Variant type: single nucleotide variant.
Coding change: c.99C>T on transcript NM_003119.4 (MANE Select); coding-DNA position 99, C replaced by T.
Protein change: p.Phe33=; no amino-acid change (phenylalanine 33 retained).
Molecular consequence: synonymous variant.
Genome position (GRCh38, 1-based): chr16:89,508,516, C>T. VCF-style: chr16-89508516-C-T. GRCh37 (hg19) VCF-style: chr16-89574924-C-T.
Other names: c.99C>T, p.Phe33= (NM_001363850.1, NM_199367.3).
Identifiers: ClinVar variation 792608 (VCV000792608.31), dbSNP rs1331243813, ClinGen allele CA497174926.